The following is an entry in ClinVar:

NM_021628.3(ALOXE3):c.680+9A>G

Gene: ALOXE3 (arachidonate epidermal lipoxygenase 3; minus strand). Cytogenetic location: 17p13.1.
Variant type: single nucleotide variant.
Coding change: c.680+9A>G on transcript NM_021628.3 (MANE Select); 9 bases into the intron after coding-DNA position 680, A replaced by G.
Molecular consequence: intron variant.
Genome position (GRCh38, 1-based): chr17:8,114,475, T>C on the plus strand (A>G on the coding strand, the complement: ALOXE3 is on the minus strand). VCF-style: chr17-8114475-T-C. GRCh37 (hg19) VCF-style: chr17-8017793-T-C.
Other names: c.1076+9A>G (NM_001165960.1); c.677+9A>G (NM_001369446.1).
Identifiers: ClinVar variation 325974 (VCV000325974.14), dbSNP rs3027214, ClinGen allele CA8368336.

ClinVar aggregate classification (germline): Benign. Review status: criteria provided, multiple submitters, no conflicts (2 of 4 stars). 4 submissions from 4 submitters: Benign (4). Last evaluated 2026-02-04.

Conditions:
Autosomal recessive congenital ichthyosis 3 (ARCI3). Also called: ICHTHYOSIS, LAMELLAR, 5. Identifiers: MedGen C3539888, MONDO:0011680, OMIM 606545.

Allele frequency attached by ClinVar (database versions not stated): gnomAD exomes 0.00602 and 0.02743; gnomAD 0.01052 and 0.01114; ESP Exome Variant Server 0.00123; TOPMed 0.01835; ExAC 0.02023; 1000 Genomes Project 0.02236; 1000 Genomes Project 30x 0.02420.
gnomAD v4.1: 10,351 of 1,612,968 alleles (0.64%); highest among the groups gnomAD compares: Admixed American, 15%; 850 homozygotes.

Submissions (4):

Labcorp Genetics (formerly Invitae), Labcorp
Classification: Benign. Last evaluated: 2026-02-04. Review status: criteria provided, single submitter. Criteria: Invitae Variant Classification Sherloc (09022015). Collection method: clinical testing. Allele origin: germline.

GeneDx
Classification: Benign. Last evaluated: 2021-06-20. Review status: criteria provided, single submitter. Criteria: GeneDx Variant Classification Process June 2021. Collection method: clinical testing. Allele origin: germline. Affected: yes.

Illumina Laboratory Services, Illumina
Classification: Benign for Autosomal recessive congenital ichthyosis 3. Last evaluated: 2018-01-13. Review status: criteria provided, single submitter. Criteria: ICSL Variant Classification Criteria 13 December 2019. Collection method: clinical testing. Allele origin: germline.
Comment: This variant was observed in the ICSL laboratory as part of a predisposition screen in an ostensibly healthy population. It had not been previously curated by ICSL or reported in the Human Gene Mutation Database (HGMD: prior to June 1st, 2018), and was therefore a candidate for classification through an automated scoring system. Utilizing variant allele frequency, disease prevalence and penetrance estimates, and inheritance mode, an automated score was calculated to assess if this variant is too frequent to cause the disease. Based on the score and internal cut-off values, a variant classified as benign is not then subjected to further curation. The score for this variant resulted in a classification of benign for this disease.

Breakthrough Genomics
Classification: Benign. Review status: criteria provided, single submitter. Criteria: ACMG Guidelines, 2015. Collection method: not provided. Allele origin: germline. Inheritance: Autosomal recessive inheritance. Affected: yes.